The following is an entry in ClinVar:

NM_000038.6(APC):c.5248G>C (p.Val1750Leu)

Gene: APC (APC regulator of Wnt signaling pathway; plus strand). Cytogenetic location: 5q22.2.
Variant type: single nucleotide variant.
Coding change: c.5248G>C on transcript NM_000038.6 (MANE Select); coding-DNA position 5248, G replaced by C.
Protein change: p.Val1750Leu; replaces valine 1750 with leucine.
Molecular consequence: missense variant. On other transcripts: non-coding transcript variant (2).
Genome position (GRCh38, 1-based): chr5:112,840,842, G>C. VCF-style: chr5-112840842-G-C. GRCh37 (hg19) VCF-style: chr5-112176539-G-C.
Other names: c.5248G>C, p.Val1750Leu (NM_001127510.3, NM_001354895.2, NM_001407450.1); c.5194G>C, p.Val1732Leu (NM_001127511.3); c.5302G>C, p.Val1768Leu (NM_001354896.2, NM_001407447.1, NM_001407448.1 and 1 more transcripts); c.5278G>C, p.Val1760Leu (NM_001354897.2); c.5173G>C, p.Val1725Leu (NM_001354898.2); c.5164G>C, p.Val1722Leu (NM_001354899.2); c.5125G>C, p.Val1709Leu (NM_001354900.2); c.5071G>C, p.Val1691Leu (NM_001354901.2, NM_001407453.1); and 11 more; short protein forms V1621L, V1649L, V1725L, V1732L, V1740L, V1667L, V1691L, V1722L.
Identifiers: ClinVar variation 4837876 (VCV004837876.1).

ClinVar aggregate classification (germline): Uncertain significance (1 of 4 stars; one submission).

Conditions:
Hereditary cancer-predisposing syndrome. Also called: Neoplastic Syndromes, Hereditary; Tumor predisposition; Hereditary Cancer Syndrome; Hereditary neoplastic syndrome. Identifiers: Orphanet 140162, MedGen C0027672, MeSH D009386, MONDO:0015356.

Submission:

Ambry Genetics
Classification: Uncertain significance for Hereditary cancer-predisposing syndrome. Last evaluated: 2025-12-28. Review status: criteria provided, single submitter. Criteria: Ambry Variant Classification Scheme 2023. Collection method: clinical testing. Allele origin: germline.
Comment: The p.V1750L variant (also known as c.5248G>C), located in coding exon 15 of the APC gene, results from a G to C substitution at nucleotide position 5248. The valine at codon 1750 is replaced by leucine, an amino acid with highly similar properties. This amino acid position is conserved. In addition, in silico predictors for this gene do not accurately predict pathogenicity. Based on the available evidence, the clinical significance of this variant remains unclear.